The following is an entry in ClinVar:

NM_001122630.2(CDKN1C):c.*151C>T

Gene: CDKN1C (cyclin dependent kinase inhibitor 1C; minus strand). Cytogenetic location: 11p15.4.
Variant type: single nucleotide variant.
Coding change: c.*151C>T on transcript NM_001122630.2 (MANE Select); 151 bases downstream of the stop codon, C replaced by T.
Molecular consequence: 3 prime UTR variant.
Genome position (GRCh38, 1-based): chr11:2,883,770, G>A on the plus strand (C>T on the coding strand, the complement: CDKN1C is on the minus strand). VCF-style: chr11-2883770-G-A. GRCh37 (hg19) VCF-style: chr11-2905000-G-A.
Other names: c.*151C>T (NM_000076.2); c.*146C>T (NM_001122631.2, NM_001362474.2); c.*4C>T (NM_001362475.2).
Identifiers: ClinVar variation 5002356 (VCV005002356.1).

ClinVar aggregate classification (germline): Likely benign (1 of 4 stars; one submission).

Conditions:
CDKN1C-related disorder. Also called: CDKN1C-related condition.

gnomAD v4.1: 10 of 1,476,210 alleles (0.00068%); highest among the groups gnomAD compares: African/African-American, 0.0014%; no homozygotes.

Submission:

PreventionGenetics, part of Exact Sciences
Classification: Likely benign for CDKN1C-related condition. Last evaluated: 2025-07-17. Review status: criteria provided, single submitter. Criteria: ACMG Guidelines, 2015. Collection method: clinical testing. Allele origin: germline.
Comment: This variant is classified as likely benign based on ACMG/AMP sequence variant interpretation guidelines (Richards et al. 2015 PMID: 25741868, with internal and published modifications).